The following is an entry in ClinVar:

ClinVar aggregate classification (germline): Uncertain significance (1 of 4 stars; one submission).

gnomAD v4.1: 2 of 1,612,716 alleles (0.00012%); highest among the groups gnomAD compares: Non-Finnish European, 0.00017%; no homozygotes.

Submission:

Labcorp Genetics (formerly Invitae), Labcorp
Classification: Uncertain significance. Last evaluated: 2025-04-06. Review status: criteria provided, single submitter. Criteria: Invitae Variant Classification Sherloc (09022015). Collection method: clinical testing. Allele origin: germline.
Comment: This sequence change replaces isoleucine, which is neutral and non-polar, with valine, which is neutral and non-polar, at codon 173 of the CNNM2 protein (p.Ile173Val). This variant is present in population databases (no rsID available, gnomAD 0.007%). This variant has not been reported in the literature in individuals affected with CNNM2-related conditions. Invitae Evidence Modeling of protein sequence and biophysical properties (such as structural, functional, and spatial information, amino acid conservation, physicochemical variation, residue mobility, and thermodynamic stability) indicates that this missense variant is not expected to disrupt CNNM2 protein function with a negative predictive value of 80%. In summary, the available evidence is currently insufficient to determine the role of this variant in disease. Therefore, it has been classified as a Variant of Uncertain Significance.

NM_017649.5(CNNM2):c.517A>G (p.Ile173Val)

Gene: CNNM2 (cyclin and CBS domain divalent metal cation transport mediator 2; plus strand). Cytogenetic location: 10q24.32.
Variant type: single nucleotide variant.
Coding change: c.517A>G on transcript NM_017649.5 (MANE Select); coding-DNA position 517, A replaced by G.
Protein change: p.Ile173Val; replaces isoleucine 173 with valine.
Molecular consequence: missense variant.
Genome position (GRCh38, 1-based): chr10:102,918,997, A>G. VCF-style: chr10-102918997-A-G. GRCh37 (hg19) VCF-style: chr10-104678754-A-G.
Other names: c.517A>G, p.Ile173Val (NM_199076.3, NM_199077.3); short protein forms I173V.
Identifiers: ClinVar variation 4700844 (VCV004700844.1).